The following is an entry in ClinVar:

NM_030777.4(SLC2A10):c.689G>A (p.Gly230Asp)

Gene: SLC2A10 (solute carrier family 2 member 10; plus strand). Cytogenetic location: 20q13.12.
Variant type: single nucleotide variant.
Coding change: c.689G>A on transcript NM_030777.4 (MANE Select); coding-DNA position 689, G replaced by A.
Protein change: p.Gly230Asp; replaces glycine 230 with aspartic acid.
Molecular consequence: missense variant.
Genome position (GRCh38, 1-based): chr20:46,725,725, G>A. VCF-style: chr20-46725725-G-A. GRCh37 (hg19) VCF-style: chr20-45354364-G-A.
Other names: short protein forms G230D.
Identifiers: ClinVar variation 1756036 (VCV001756036.2), dbSNP rs1445834927, ClinGen allele CA409267838.

ClinVar aggregate classification (germline): Uncertain significance (1 of 4 stars; one submission).

Conditions:
Familial thoracic aortic aneurysm and aortic dissection (TAAD). Also called: Thoracic aortic aneurysms and dissections. Identifiers: Orphanet 91387, MedGen C4707243, MONDO:0019625.

Allele frequency attached by ClinVar (database versions not stated): gnomAD exomes below 0.00001.
gnomAD v4.1: 1 of 1,614,118 alleles (0.000062%); highest among the groups gnomAD compares: African/African-American, 0.0013%; no homozygotes.

Submission:

Ambry Genetics
Classification: Uncertain significance for Familial thoracic aortic aneurysm and aortic dissection. Last evaluated: 2022-05-06. Review status: criteria provided, single submitter. Criteria: Ambry Variant Classification Scheme 2023. Collection method: clinical testing. Allele origin: germline.
Comment: The p.G230D variant (also known as c.689G>A), located in coding exon 2 of the SLC2A10 gene, results from a G to A substitution at nucleotide position 689. The glycine at codon 230 is replaced by aspartic acid, an amino acid with similar properties. This amino acid position is conserved. In addition, this alteration is predicted to be tolerated by in silico analysis. Since supporting evidence is limited at this time, the clinical significance of this alteration remains unclear.